The following is an entry in ClinVar:

ClinVar aggregate classification (germline): Uncertain significance (1 of 4 stars; one submission).

Conditions:
Pyridoxine-dependent epilepsy (EPEO4). Also called: Pyridoxine-Dependent Seizures; Pyridoxine-Dependent Epilepsy - ALDH7A1; PYRIDOXINE DEPENDENCY WITH SEIZURES; EPILEPSY, EARLY-ONSET, 4, VITAMIN B6-DEPENDENT. Identifiers: Orphanet 3006, MedGen C1849508, MONDO:0009945, OMIM 266100. Disease mechanism: loss of function.

Allele frequency attached by ClinVar (database versions not stated): gnomAD exomes 0.00001.
gnomAD v4.1: 3 of 1,602,340 alleles (0.00019%); highest among the groups gnomAD compares: East Asian, 0.0068%; no homozygotes.

Submission:

Labcorp Genetics (formerly Invitae), Labcorp
Classification: Uncertain significance for Pyridoxine-dependent epilepsy. Last evaluated: 2024-11-05. Review status: criteria provided, single submitter. Criteria: Invitae Variant Classification Sherloc (09022015). Collection method: clinical testing. Allele origin: germline.
Comment: This sequence change replaces arginine, which is basic and polar, with tryptophan, which is neutral and slightly polar, at codon 62 of the ALDH7A1 protein (p.Arg62Trp). This variant is not present in population databases (gnomAD no frequency). This variant has not been reported in the literature in individuals affected with ALDH7A1-related conditions. ClinVar contains an entry for this variant (Variation ID: 1502446). Invitae Evidence Modeling of protein sequence and biophysical properties (such as structural, functional, and spatial information, amino acid conservation, physicochemical variation, residue mobility, and thermodynamic stability) has been performed for this missense variant. However, the output from this modeling did not meet the statistical confidence thresholds required to predict the impact of this variant on ALDH7A1 protein function. In summary, the available evidence is currently insufficient to determine the role of this variant in disease. Therefore, it has been classified as a Variant of Uncertain Significance.

NM_001182.5(ALDH7A1):c.184C>T (p.Arg62Trp)

Gene: ALDH7A1 (aldehyde dehydrogenase 7 family member A1; minus strand). Cytogenetic location: 5q23.2.
Variant type: single nucleotide variant.
Coding change: c.184C>T on transcript NM_001182.5 (MANE Select); coding-DNA position 184, C replaced by T.
Protein change: p.Arg62Trp; replaces arginine 62 with tryptophan.
Molecular consequence: missense variant.
Genome position (GRCh38, 1-based): chr5:126,595,015, G>A on the plus strand (C>T on the coding strand, the complement: ALDH7A1 is on the minus strand). VCF-style: chr5-126595015-G-A. GRCh37 (hg19) VCF-style: chr5-125930707-G-A.
Other names: c.100C>T, p.Arg34Trp (NM_001201377.2); c.184C>T, p.Arg62Trp (NM_001202404.2); short protein forms R62W, R34W.
Identifiers: ClinVar variation 1502446 (VCV001502446.6), dbSNP rs1751694421, ClinGen allele CA360733663.